The following is an entry in ClinVar:

ClinVar aggregate classification (germline): Likely benign. Review status: criteria provided, multiple submitters, no conflicts (2 of 4 stars). 2 submissions from 2 submitters: Likely benign (2). Last evaluated 2025-01-09.

Conditions:
Dilated cardiomyopathy 1G (CMD1G). Identifiers: Orphanet 154, MedGen C1858763, MONDO:0011400, OMIM 604145.
Autosomal recessive limb-girdle muscular dystrophy type 2J (LGMDR10). Also called: Limb-girdle muscular dystrophy, type 2J; MUSCULAR DYSTROPHY, LIMB-GIRDLE, AUTOSOMAL RECESSIVE 10. Identifiers: Orphanet 140922, MedGen C1837342, MONDO:0012127, OMIM 608807.

Allele frequency attached by ClinVar (database versions not stated): gnomAD 0.00001; TOPMed 0.00002.

Submissions (2):

Women's Health and Genetics/Laboratory Corporation of America, LabCorp
Classification: Likely benign. Last evaluated: 2025-01-09. Review status: criteria provided, single submitter. Criteria: LabCorp Variant Classification Summary - May 2015. Collection method: clinical testing. Allele origin: germline.
Comment: Variant summary: TTN c.17104+9A>G alters a nucleotide located at a position not widely known to affect splicing. Consensus agreement among computation tools predict no significant impact on normal splicing (TrAP). However, these predictions have yet to be confirmed by functional studies. The frequency data for this variant in gnomAD is considered unreliable, as metrics indicate poor data quality at this position. To our knowledge, no occurrence of c.17104+9A>G in individuals affected with Dilated Cardiomyopathy and no experimental evidence demonstrating its impact on protein function have been reported. ClinVar contains an entry for this variant (Variation ID: 1107983). Based on the evidence outlined above, the variant was classified as likely benign.

Labcorp Genetics (formerly Invitae), Labcorp
Classification: Likely benign for Dilated cardiomyopathy 1G; Autosomal recessive limb-girdle muscular dystrophy type 2J. Last evaluated: 2022-05-07. Review status: criteria provided, single submitter. Criteria: Invitae Variant Classification Sherloc (09022015). Collection method: clinical testing. Allele origin: germline.

NM_001267550.2(TTN):c.20836+9A>G

Gene: TTN (titin; minus strand). Cytogenetic location: 2q31.2.
Variant type: single nucleotide variant.
Coding change: c.20836+9A>G on transcript NM_001267550.2 (MANE Select); 9 bases into the intron after coding-DNA position 20836, A replaced by G.
Molecular consequence: intron variant.
Genome position (GRCh38, 1-based): chr2:178,725,359, T>C on the plus strand (A>G on the coding strand, the complement: TTN is on the minus strand). VCF-style: chr2-178725359-T-C. GRCh37 (hg19) VCF-style: chr2-179590086-T-C.
Other names: c.13282+12723A>G (NM_003319.4); c.13858+12723A>G (NM_133437.4); c.13657+12723A>G (NM_133432.3); c.17104+9A>G (NM_133378.4); c.19885+9A>G (NM_001256850.1).
Identifiers: ClinVar variation 1107983 (VCV001107983.11), dbSNP rs982238257, ClinGen allele CA60974772.